The following is an entry in ClinVar:

NM_006852.6(TLK2):c.31C>A (p.Arg11=)

Gene: TLK2 (tousled like kinase 2; plus strand). Cytogenetic location: 17q23.2.
Variant type: single nucleotide variant.
Coding change: c.31C>A on transcript NM_006852.6 (MANE Select); coding-DNA position 31, C replaced by A.
Protein change: p.Arg11=; no amino-acid change (arginine 11 retained).
Molecular consequence: synonymous variant. On other transcripts: 5 prime UTR variant (2).
Genome position (GRCh38, 1-based): chr17:62,481,156, C>A. VCF-style: chr17-62481156-C-A. GRCh37 (hg19) VCF-style: chr17-60558517-C-A.
Other names: c.31C>A, p.Arg11= (NM_001438204.1, NM_001438205.1, NM_001284333.3 and 6 more transcripts); c.-467C>A (NM_001330418.3, NM_001375273.1); c.169C>A, p.Arg57= (NM_001375269.1).
Identifiers: ClinVar variation 5038960 (VCV005038960.1).

ClinVar aggregate classification (germline): Likely benign (1 of 4 stars; one submission).

gnomAD v4.1: 2 of 1,613,838 alleles (0.00012%); highest among the groups gnomAD compares: Non-Finnish European, 0.00017%; no homozygotes.

Submission:

CeGaT Center for Human Genetics Tuebingen
Classification: Likely benign. Last evaluated: 2026-07-01. Review status: criteria provided, single submitter. Criteria: CeGaT Center For Human Genetics Tuebingen Variant Classification Criteria Version 2. Collection method: clinical testing. Allele origin: germline. Affected: yes. Observed: 1 variant allele.
Comment: TLK2: BP4, BP7